The following is an entry in ClinVar:

ClinVar aggregate classification (germline): Likely benign (0 of 4 stars; one submission).

Conditions:
ARID1B-Related Disorder. Identifiers: MedGen CN381337.

gnomAD v4.1: 1 of 1,469,184 alleles (0.000068%); highest among the groups gnomAD compares: Non-Finnish European, 0.00009%; no homozygotes.

Submission:

PreventionGenetics, part of Exact Sciences
Classification: Likely benign for ARID1B-related condition. Last evaluated: 2021-12-09. Review status: no assertion criteria provided. Collection method: clinical testing. Allele origin: germline.
Comment: This variant is classified as likely benign based on ACMG/AMP sequence variant interpretation guidelines (Richards et al. 2015 PMID: 25741868, with internal and published modifications).

NM_001374828.1(ARID1B):c.966T>G (p.Pro322=)

Gene: ARID1B (AT-rich interaction domain 1B; plus strand). Cytogenetic location: 6q25.3.
Variant type: single nucleotide variant.
Coding change: c.966T>G on transcript NM_001374828.1 (MANE Select); coding-DNA position 966, T replaced by G.
Protein change: p.Pro322=; no amino-acid change (proline 322 retained).
Molecular consequence: synonymous variant.
Genome position (GRCh38, 1-based): chr6:156,778,646, T>G. VCF-style: chr6-156778646-T-G. GRCh37 (hg19) VCF-style: chr6-157099780-T-G.
Other names: c.717T>G, p.Pro239= (NM_001346813.1, NM_020732.3); c.966T>G, p.Pro322= (NM_001371656.1, NM_001374820.1, NM_017519.3); c.543T>G, p.Pro181= (NM_175863.2).
Identifiers: ClinVar variation 3059337 (VCV003059337.2), dbSNP rs2546829523, ClinGen allele CA452989348.